The following is an entry in ClinVar:

NM_004380.3(CREBBP):c.6303C>G (p.Ile2101Met)

Gene: CREBBP (CREB binding lysine acetyltransferase; minus strand). Cytogenetic location: 16p13.3.
Variant type: single nucleotide variant.
Coding change: c.6303C>G on transcript NM_004380.3 (MANE Select); coding-DNA position 6303, C replaced by G.
Protein change: p.Ile2101Met; replaces isoleucine 2101 with methionine.
Molecular consequence: missense variant.
Genome position (GRCh38, 1-based): chr16:3,728,744, G>C on the plus strand (C>G on the coding strand, the complement: CREBBP is on the minus strand). VCF-style: chr16-3728744-G-C. GRCh37 (hg19) VCF-style: chr16-3778745-G-C.
Other names: c.6189C>G, p.Ile2063Met (NM_001079846.1); short protein forms I2063M, I2101M.
Identifiers: ClinVar variation 1879324 (VCV001879324.29), dbSNP rs780441901, ClinGen allele CA394553683.

ClinVar aggregate classification (germline): Uncertain significance (1 of 4 stars; one submission).

Submission:

CeGaT Center for Human Genetics Tuebingen
Classification: Uncertain significance. Last evaluated: 2022-12-01. Review status: criteria provided, single submitter. Criteria: CeGaT Center For Human Genetics Tuebingen Variant Classification Criteria Version 2. Collection method: clinical testing. Allele origin: germline. Affected: yes. Observed: 1 variant allele.
Comment: CREBBP: PM2:Supporting, PP2, PP3